The following is an entry in ClinVar:

ClinVar aggregate classification (germline): Pathogenic. Review status: criteria provided, multiple submitters, no conflicts (2 of 4 stars). 5 submissions from 5 submitters: Pathogenic (4). 1 of the submissions does not count toward it. Last evaluated 2022-08-22.

Conditions:
Tubulinopathy. Also called: Tubulinopathies. Identifiers: MedGen CN850169, MONDO:0100153.
TUBA1A-related disorder. Also called: TUBA1A-related condition.
Lissencephaly due to TUBA1A mutation (CDCBM16). Also called: CORTICAL DYSPLASIA, COMPLEX, WITH OTHER BRAIN MALFORMATIONS 16; Lissencephaly 3. Identifiers: Orphanet 171680, MedGen C4305153, MONDO:0012703, OMIM 611603.

Submissions (5):

Blueprint Genetics
Classification: Pathogenic for TUBA1A-related disorders. Last evaluated: 2022-08-22. Review status: criteria provided, single submitter. Criteria: ACMG Guidelines, 2015. Collection method: clinical testing. Allele origin: germline. Affected: yes. Observed: 2 variant alleles.

Baylor Genetics
Classification: Pathogenic for Lissencephaly due to TUBA1A mutation. Last evaluated: 2022-03-29. Review status: criteria provided, single submitter. Criteria: ACMG Guidelines, 2015. Collection method: clinical testing. Allele origin: unknown.

Institute of Human Genetics, FAU Erlangen, Friedrich-Alexander-Universität Erlangen-Nürnberg
Classification: Pathogenic for Tubulinopathies. Last evaluated: 2018-07-01. Review status: criteria provided, single submitter. Criteria: ACMG Guidelines, 2015. Collection method: literature only. Allele origin: de novo. Affected: yes. Observed: 2 variant alleles.
Comment: The c.986A>G, p.(Asn329Ser) variant has been reported as a variant of de novo origin. This variant and associated phenotype was previously reported by Kumar et al. Hum Mol Genet, 2010 PMID: 20466733. Agyria (HP:0031882); Hypoplasia of the brainstem (HP:0002365); Cerebellar hypoplasia (HP:0001321); Hypoplastic hippocampus (HP:0025517); Dilation of lateral ventricles (HP:0006956); Microcephaly (HP:0000252)

Genetic Services Laboratory, University of Chicago
Classification: Pathogenic for Lissencephaly 3. Last evaluated: 2016-10-14. Review status: criteria provided, single submitter. Criteria: ACMG Guidelines, 2015. Collection method: clinical testing. Allele origin: germline. Affected: yes.

Biochemical Molecular Genetic Laboratory, King Abdulaziz Medical City
Classification: Pathogenic for Lissencephaly due to TUBA1A mutation. Last evaluated: 2020-08-07. Review status: no assertion criteria provided. Collection method: clinical testing. Allele origin: germline. Affected: yes. Not counted in ClinVar's aggregate classification.

Literature cited by the submitters: PubMed 30744660 (cited by Institute of Human Genetics, FAU Erlangen, Friedrich-Alexander-Universität Erlangen-Nürnberg); DOI 10.1101/427948 (cited by Institute of Human Genetics, FAU Erlangen, Friedrich-Alexander-Universität Erlangen-Nürnberg).

NM_006009.4(TUBA1A):c.986A>G (p.Asn329Ser)

Gene: TUBA1A (tubulin alpha 1a; minus strand). Cytogenetic location: 12q13.12.
Variant type: single nucleotide variant.
Coding change: c.986A>G on transcript NM_006009.4 (MANE Select); coding-DNA position 986, A replaced by G.
Protein change: p.Asn329Ser; replaces asparagine 329 with serine.
Molecular consequence: missense variant.
Genome position (GRCh38, 1-based): chr12:49,185,380, T>C on the plus strand (A>G on the coding strand, the complement: TUBA1A is on the minus strand). VCF-style: chr12-49185380-T-C. GRCh37 (hg19) VCF-style: chr12-49579163-T-C.
Other names: c.986A>G, p.Asn329Ser (NM_001270399.2); c.881A>G, p.Asn294Ser (NM_001270400.2); short protein forms N329S, N294S.
Identifiers: ClinVar variation 160167 (VCV000160167.10), dbSNP rs587784495, ClinGen allele CA213285.
Genomic context (GRCh38, chr12:49,185,380, plus strand): 5'-GTGGGGCACCAATCCACAAACTGGATGGTACGCTTGGTCTTGATGGTGGCAATGGCAGCA[T>C]TGACATCTTTGGGAACCACGTCACCACGGTACAACAGGCAGCAAGCCATGTATTTACCAT-3'
Protein context (NP_006000.2, residues 319-339): YRGDVVPKDV[Asn329Ser]AAIATIKTKR